The following is an entry in ClinVar:

NM_003151.4(STAT4):c.1495A>G (p.Ser499Gly)

Gene: STAT4 (signal transducer and activator of transcription 4; minus strand). Cytogenetic location: 2q32.2.
Variant type: single nucleotide variant.
Coding change: c.1495A>G on transcript NM_003151.4 (MANE Select); coding-DNA position 1495, A replaced by G.
Protein change: p.Ser499Gly; replaces serine 499 with glycine.
Molecular consequence: missense variant.
Genome position (GRCh38, 1-based): chr2:191,036,239, T>C on the plus strand (A>G on the coding strand, the complement: STAT4 is on the minus strand). VCF-style: chr2-191036239-T-C. GRCh37 (hg19) VCF-style: chr2-191900965-T-C.
Other names: c.1495A>G, p.Ser499Gly (NM_001243835.2); short protein forms S499G.
Identifiers: ClinVar variation 3686965 (VCV003686965.2).

ClinVar aggregate classification (germline): Uncertain significance (1 of 4 stars; one submission).

Submission:

Labcorp Genetics (formerly Invitae), Labcorp
Classification: Uncertain significance. Last evaluated: 2024-04-07. Review status: criteria provided, single submitter. Criteria: Invitae Variant Classification Sherloc (09022015). Collection method: clinical testing. Allele origin: germline.
Comment: This sequence change replaces serine, which is neutral and polar, with glycine, which is neutral and non-polar, at codon 499 of the STAT4 protein (p.Ser499Gly). This variant is not present in population databases (gnomAD no frequency). This variant has not been reported in the literature in individuals affected with STAT4-related conditions. Advanced modeling of protein sequence and biophysical properties (such as structural, functional, and spatial information, amino acid conservation, physicochemical variation, residue mobility, and thermodynamic stability) performed at Invitae indicates that this missense variant is expected to disrupt STAT4 protein function with a positive predictive value of 80%. In summary, the available evidence is currently insufficient to determine the role of this variant in disease. Therefore, it has been classified as a Variant of Uncertain Significance.